The following is an entry in ClinVar:

NM_001844.5(COL2A1):c.1523A>G (p.Glu508Gly)

Gene: COL2A1 (collagen type II alpha 1 chain; minus strand). Cytogenetic location: 12q13.11.
Variant type: single nucleotide variant.
Coding change: c.1523A>G on transcript NM_001844.5 (MANE Select); coding-DNA position 1523, A replaced by G.
Protein change: p.Glu508Gly; replaces glutamic acid 508 with glycine.
Molecular consequence: missense variant.
Genome position (GRCh38, 1-based): chr12:47,986,340, T>C on the plus strand (A>G on the coding strand, the complement: COL2A1 is on the minus strand). VCF-style: chr12-47986340-T-C. GRCh37 (hg19) VCF-style: chr12-48380123-T-C.
Other names: c.1316A>G, p.Glu439Gly (NM_033150.3); short protein forms E439G, E508G.
Identifiers: ClinVar variation 1502712 (VCV001502712.6), dbSNP rs768225873, ClinGen allele CA6535465.

ClinVar aggregate classification (germline): Uncertain significance (1 of 4 stars; one submission).

Allele frequency attached by ClinVar (database versions not stated): gnomAD exomes 0.00001; gnomAD 0.00002; TOPMed 0.00002; ExAC 0.00005.
gnomAD v4.1: 18 of 1,556,806 alleles (0.0012%); highest among the groups gnomAD compares: Admixed American, 0.0019%; no homozygotes.

Submission:

Labcorp Genetics (formerly Invitae), Labcorp
Classification: Uncertain significance. Last evaluated: 2026-01-29. Review status: criteria provided, single submitter. Criteria: Invitae Variant Classification Sherloc (09022015). Collection method: clinical testing. Allele origin: germline.
Comment: This sequence change replaces glutamic acid, which is acidic and polar, with glycine, which is neutral and non-polar, at codon 508 of the COL2A1 protein (p.Glu508Gly). The frequency data for this variant in the population databases is considered unreliable, as metrics indicate poor data quality at this position in the gnomAD database. This variant has not been reported in the literature in individuals affected with COL2A1-related conditions. ClinVar contains an entry for this variant (Variation ID: 1502712). Invitae Evidence Modeling of protein sequence and biophysical properties (such as structural, functional, and spatial information, amino acid conservation, physicochemical variation, residue mobility, and thermodynamic stability) has been performed for this missense variant. However, the output from this modeling did not meet the statistical confidence thresholds required to predict the impact of this variant on COL2A1 protein function. Algorithms developed to predict the effect of sequence changes on RNA splicing suggest that this variant may disrupt the consensus splice site. In summary, the available evidence is currently insufficient to determine the role of this variant in disease. Therefore, it has been classified as a Variant of Uncertain Significance.